The following is an entry in ClinVar:

NM_005876.5(SPEG):c.775G>A (p.Ala259Thr)

Gene: SPEG (striated muscle enriched protein kinase; plus strand). Cytogenetic location: 2q35.
Variant type: single nucleotide variant.
Coding change: c.775G>A on transcript NM_005876.5 (MANE Select); coding-DNA position 775, G replaced by A.
Protein change: p.Ala259Thr; replaces alanine 259 with threonine.
Molecular consequence: missense variant.
Genome position (GRCh38, 1-based): chr2:219,445,121, G>A. VCF-style: chr2-219445121-G-A. GRCh37 (hg19) VCF-style: chr2-220309843-G-A.
Other names: short protein forms A259T.
Identifiers: ClinVar variation 2063712 (VCV002063712.2), dbSNP rs759418830, ClinGen allele CA2125566.
Genomic context (GRCh38, chr2:219,445,121, plus strand): 5'-GTGGGCGCAAGCTGGGGGTCAGAGGATAGCCTTTCCGTGGCCAGTGACCTGTACGGCAGC[G>A]CATTCAGCCTGTACAGAGGACGGGCGCTCTCTATCCACGTGTAAGTAACGGCCTTACCTG-3'
Protein context (NP_005867.3, residues 249-269): LSVASDLYGS[Ala259Thr]FSLYRGRALS

ClinVar aggregate classification (germline): Uncertain significance. Review status: criteria provided, multiple submitters, no conflicts (2 of 4 stars). 2 submissions from 2 submitters: Uncertain significance (2). Last evaluated 2025-03-18.

Conditions:
Myopathy, centronuclear, 5 (CNM5). Identifiers: Orphanet 169186, MedGen C4014814, MONDO:0014418, OMIM 615959.

Allele frequency attached by ClinVar (database versions not stated): 1000 Genomes Project 30x 0.00031; TOPMed 0.00002; gnomAD 0.00003; gnomAD exomes 0.00002; ExAC 0.00009.
gnomAD v4.1: 30 of 1,591,968 alleles (0.0019%); highest among the groups gnomAD compares: East Asian, 0.0069%; no homozygotes.

Submissions (2):

Revvity Omics, Revvity
Classification: Uncertain significance for Myopathy, centronuclear, 5. Last evaluated: 2025-03-18. Review status: criteria provided, single submitter. Criteria: ACMG Guidelines, 2015. Collection method: clinical testing. Allele origin: germline.

Labcorp Genetics (formerly Invitae), Labcorp
Classification: Uncertain significance. Last evaluated: 2022-06-28. Review status: criteria provided, single submitter. Criteria: Invitae Variant Classification Sherloc (09022015). Collection method: clinical testing. Allele origin: germline.
Comment: This sequence change replaces alanine, which is neutral and non-polar, with threonine, which is neutral and polar, at codon 259 of the SPEG protein (p.Ala259Thr). The frequency data for this variant in the population databases is considered unreliable, as metrics indicate poor data quality at this position in the gnomAD database. This variant has not been reported in the literature in individuals affected with SPEG-related conditions. Algorithms developed to predict the effect of missense changes on protein structure and function (SIFT, PolyPhen-2, Align-GVGD) all suggest that this variant is likely to be tolerated. In summary, the available evidence is currently insufficient to determine the role of this variant in disease. Therefore, it has been classified as a Variant of Uncertain Significance.